The following is an entry in ClinVar:

NM_024675.4(PALB2):c.3385G>A (p.Ala1129Thr)

Gene: PALB2 (partner and localizer of BRCA2; minus strand). Cytogenetic location: 16p12.2.
Variant type: single nucleotide variant.
Coding change: c.3385G>A on transcript NM_024675.4 (MANE Select); coding-DNA position 3385, G replaced by A.
Protein change: p.Ala1129Thr; replaces alanine 1129 with threonine.
Molecular consequence: missense variant.
Genome position (GRCh38, 1-based): chr16:23,603,635, C>T on the plus strand (G>A on the coding strand, the complement: PALB2 is on the minus strand). VCF-style: chr16-23603635-C-T. GRCh37 (hg19) VCF-style: chr16-23614956-C-T.
Other names: short protein forms A1129T.
Identifiers: ClinVar variation 1352446 (VCV001352446.7), dbSNP rs1966404823, ClinGen allele CA395138282.

ClinVar aggregate classification (germline): Uncertain significance (1 of 4 stars; one submission).

Conditions:
Familial cancer of breast. Also called: hereditary breast carcinoma; Hereditary breast cancer; BREAST CANCER, FAMILIAL. Identifiers: Orphanet 227535, MedGen C0346153, MONDO:0016419, OMIM 114480. Disease mechanism: loss of function.

Submission:

Labcorp Genetics (formerly Invitae), Labcorp
Classification: Uncertain significance for Familial cancer of breast. Last evaluated: 2022-01-12. Review status: criteria provided, single submitter. Criteria: Invitae Variant Classification Sherloc (09022015). Collection method: clinical testing. Allele origin: germline.
Comment: In summary, the available evidence is currently insufficient to determine the role of this variant in disease. Therefore, it has been classified as a Variant of Uncertain Significance. Algorithms developed to predict the effect of missense changes on protein structure and function are either unavailable or do not agree on the potential impact of this missense change (SIFT: "Deleterious"; PolyPhen-2: "Probably Damaging"; Align-GVGD: "Class C0"). This variant has not been reported in the literature in individuals affected with PALB2-related conditions. This variant is not present in population databases (gnomAD no frequency). This sequence change replaces alanine, which is neutral and non-polar, with threonine, which is neutral and polar, at codon 1129 of the PALB2 protein (p.Ala1129Thr).